The following is an entry in ClinVar:

NM_001164508.2(NEB):c.8435G>A (p.Arg2812His)

Gene: NEB (nebulin; minus strand). Cytogenetic location: 2q23.3.
Variant type: single nucleotide variant.
Coding change: c.8435G>A on transcript NM_001164508.2 (MANE Select); coding-DNA position 8435, G replaced by A.
Protein change: p.Arg2812His; replaces arginine 2812 with histidine.
Molecular consequence: missense variant.
Genome position (GRCh38, 1-based): chr2:151,640,605, C>T on the plus strand (G>A on the coding strand, the complement: NEB is on the minus strand). VCF-style: chr2-151640605-C-T. GRCh37 (hg19) VCF-style: chr2-152497119-C-T.
Other names: c.8435G>A, p.Arg2812His (NM_001164507.2, NM_001271208.2, NM_004543.5); short protein forms R2812H.
Identifiers: ClinVar variation 2085767 (VCV002085767.2), dbSNP rs772240430, ClinGen allele CA1909577.

ClinVar aggregate classification (germline): Conflicting classifications of pathogenicity. Review status: criteria provided, conflicting classifications (1 of 4 stars). 2 submissions from 2 submitters: Uncertain significance (1); Likely benign (1). Last evaluated 2022-05-06.

Conditions:
Nemaline myopathy 2 (NEM2). Also called: Nemaline myopathy 2, autosomal recessive. Identifiers: MedGen C1850569, MONDO:0009725, OMIM 256030.

gnomAD v4.1: 13 of 1,613,894 alleles (0.00081%); highest among the groups gnomAD compares: Middle Eastern, 0.016%; no homozygotes.

Submissions (2):

Blueprint Genetics
Classification: Likely benign. Last evaluated: 2022-05-06. Review status: criteria provided, single submitter. Criteria: ACMG Guidelines, 2015. Collection method: clinical testing. Allele origin: germline.

Labcorp Genetics (formerly Invitae), Labcorp
Classification: Uncertain significance for Nemaline myopathy 2. Last evaluated: 2022-03-14. Review status: criteria provided, single submitter. Criteria: Invitae Variant Classification Sherloc (09022015). Collection method: clinical testing. Allele origin: germline.
Comment: This sequence change replaces arginine, which is basic and polar, with histidine, which is basic and polar, at codon 2812 of the NEB protein (p.Arg2812His). This variant is present in population databases (rs772240430, gnomAD 0.003%). This variant has not been reported in the literature in individuals affected with NEB-related conditions. Algorithms developed to predict the effect of missense changes on protein structure and function output the following: SIFT: "Tolerated"; PolyPhen-2: "Not Available"; Align-GVGD: "Class C0". The histidine amino acid residue is found in multiple mammalian species, which suggests that this missense change does not adversely affect protein function. In summary, the available evidence is currently insufficient to determine the role of this variant in disease. Therefore, it has been classified as a Variant of Uncertain Significance.